The following is an entry in ClinVar:

ClinVar aggregate classification (germline): Likely pathogenic (1 of 4 stars; one submission).

Submission:

Labcorp Genetics (formerly Invitae), Labcorp
Classification: Likely pathogenic. Last evaluated: 2025-01-06. Review status: criteria provided, single submitter. Criteria: Invitae Variant Classification Sherloc (09022015). Collection method: clinical testing. Allele origin: germline.
Comment: This sequence change affects an acceptor splice site in intron 38 of the DMXL2 gene. It is expected to disrupt RNA splicing. Variants that disrupt the donor or acceptor splice site typically lead to a loss of protein function (PMID: 16199547), and loss-of-function variants in DMXL2 are known to be pathogenic (PMID: 30237576, 31688942). This variant is not present in population databases (gnomAD no frequency). This variant has not been reported in the literature in individuals affected with DMXL2-related conditions. ClinVar contains an entry for this variant (Variation ID: 2852920). Algorithms developed to predict the effect of sequence changes on RNA splicing suggest that this variant may disrupt the consensus splice site. In summary, the currently available evidence indicates that the variant is pathogenic, but additional data are needed to prove that conclusively. Therefore, this variant has been classified as Likely Pathogenic.

Literature cited by the submitters: PubMed 16199547; PubMed 30237576; PubMed 31688942.

NM_001378457.1(DMXL2):c.8527-2A>G

Gene: DMXL2 (Dmx like 2; minus strand). Cytogenetic location: 15q21.2.
Variant type: single nucleotide variant.
Coding change: c.8527-2A>G on transcript NM_001378457.1 (MANE Select); the canonical splice acceptor site of the intron before coding-DNA position 8527, A replaced by G.
Molecular consequence: splice acceptor variant.
Genome position (GRCh38, 1-based): chr15:51,455,230, T>C on the plus strand (A>G on the coding strand, the complement: DMXL2 is on the minus strand). VCF-style: chr15-51455230-T-C. GRCh37 (hg19) VCF-style: chr15-51747427-T-C.
Other names: c.6442-2A>G (NM_001378460.1); c.6553-2A>G (NM_001174117.3); c.8461-2A>G (NM_015263.5); c.8524-2A>G (NM_001378458.1); c.8239-2A>G (NM_001378459.1); c.8464-2A>G (NM_001174116.3).
Identifiers: ClinVar variation 2852920 (VCV002852920.3), dbSNP rs2542973615, ClinGen allele CA392433360.